The following is an entry in ClinVar:

ClinVar aggregate classification (germline): Uncertain significance. Review status: criteria provided, multiple submitters, no conflicts (2 of 4 stars). 2 submissions from 2 submitters: Uncertain significance (2). Last evaluated 2025-08-05.

Conditions:
Frontotemporal dementia and/or amyotrophic lateral sclerosis 1 (FTDALS1). Also called: Frontotemporal dementia with motor neuron disease 1; C9orf72 Frontotemporal Dementia and/or Amyotrophic Lateral Sclerosis. Identifiers: Orphanet 275872, MedGen C5779877, MONDO:0007105, OMIM 105550.
Paget disease of bone 2, early-onset (PDB2). Also called: Paget disease of bone 2. Identifiers: MedGen C4085251, MONDO:0011183, OMIM 602080.
Inborn genetic diseases. Identifiers: MedGen C0950123, MeSH D030342.

Allele frequency attached by ClinVar (database versions not stated): gnomAD exomes below 0.00001 and 0.00001; TOPMed below 0.00001.
gnomAD v4.1: 7 of 1,613,722 alleles (0.00043%); highest among the groups gnomAD compares: Non-Finnish European, 0.00059%; no homozygotes.

Submissions (2):

Ambry Genetics
Classification: Uncertain significance for Inborn genetic diseases. Last evaluated: 2025-08-05. Review status: criteria provided, single submitter. Criteria: Ambry Variant Classification Scheme 2023. Collection method: clinical testing. Allele origin: germline.

Labcorp Genetics (formerly Invitae), Labcorp
Classification: Uncertain significance for Paget disease of bone 2, early-onset; Frontotemporal dementia and/or amyotrophic lateral sclerosis 1. Last evaluated: 2021-11-11. Review status: criteria provided, single submitter. Criteria: Invitae Variant Classification Sherloc (09022015). Collection method: clinical testing. Allele origin: germline.
Comment: This variant has not been reported in the literature in individuals affected with SQSTM1-related conditions. This sequence change replaces asparagine, which is neutral and polar, with isoleucine, which is neutral and non-polar, at codon 120 of the SQSTM1 protein (p.Asn120Ile). This variant is not present in population databases (gnomAD no frequency). Algorithms developed to predict the effect of missense changes on protein structure and function (SIFT, PolyPhen-2, Align-GVGD) all suggest that this variant is likely to be tolerated. In summary, the available evidence is currently insufficient to determine the role of this variant in disease. Therefore, it has been classified as a Variant of Uncertain Significance.

NM_003900.5(SQSTM1):c.359A>T (p.Asn120Ile)

Gene: SQSTM1 (sequestosome 1; plus strand). Cytogenetic location: 5q35.3.
Variant type: single nucleotide variant.
Coding change: c.359A>T on transcript NM_003900.5 (MANE Select); coding-DNA position 359, A replaced by T.
Protein change: p.Asn120Ile; replaces asparagine 120 with isoleucine.
Molecular consequence: missense variant.
Genome position (GRCh38, 1-based): chr5:179,823,915, A>T. VCF-style: chr5-179823915-A-T. GRCh37 (hg19) VCF-style: chr5-179250915-A-T.
Other names: c.107A>T, p.Asn36Ile (NM_001142298.2, NM_001142299.2); c.359A>T (NM_003900.4); short protein forms N36I, N120I.
Identifiers: ClinVar variation 1413736 (VCV001413736.7), dbSNP rs1562654519, ClinGen allele CA362443536.
Genomic context (GRCh38, chr5:179,823,915, plus strand): 5'-TAGAGAAAAAAGAGTGCCGGCGGGACCACCGCCCACCGTGTGCTCAGGAGGCGCCCCGCA[A>T]CATGGTGCACCCCAATGTGATCTGCGATGGCTGCAATGGGCCTGTGGTAGGAACCCGCTA-3'
Protein context (NP_003891.1, residues 110-130): RPPCAQEAPR[Asn120Ile]MVHPNVICDG